The following is an entry in ClinVar:

ClinVar aggregate classification (germline): Uncertain significance (1 of 4 stars; one submission).

Conditions:
Congenital contractural arachnodactyly (CCA). Also called: BEALS SYNDROME; Beals-Hecht syndrome; Arthrogryposis, distal, type 9. Identifiers: Orphanet 115, MedGen C0220668, MONDO:0007363, OMIM 121050.

Submission:

Labcorp Genetics (formerly Invitae), Labcorp
Classification: Uncertain significance for Congenital contractural arachnodactyly. Last evaluated: 2024-12-16. Review status: criteria provided, single submitter. Criteria: Invitae Variant Classification Sherloc (09022015). Collection method: clinical testing. Allele origin: germline.
Comment: This sequence change replaces proline, which is neutral and non-polar, with threonine, which is neutral and polar, at codon 2722 of the FBN2 protein (p.Pro2722Thr). This variant is not present in population databases (gnomAD no frequency). This variant has not been reported in the literature in individuals affected with FBN2-related conditions. Invitae Evidence Modeling of protein sequence and biophysical properties (such as structural, functional, and spatial information, amino acid conservation, physicochemical variation, residue mobility, and thermodynamic stability) indicates that this missense variant is expected to disrupt FBN2 protein function with a positive predictive value of 80%. In summary, the available evidence is currently insufficient to determine the role of this variant in disease. Therefore, it has been classified as a Variant of Uncertain Significance.

NM_001999.4(FBN2):c.8164C>A (p.Pro2722Thr)

Gene: FBN2 (fibrillin 2; minus strand). Cytogenetic location: 5q23.3.
Variant type: single nucleotide variant.
Coding change: c.8164C>A on transcript NM_001999.4 (MANE Select); coding-DNA position 8164, C replaced by A.
Protein change: p.Pro2722Thr; replaces proline 2722 with threonine.
Molecular consequence: missense variant.
Genome position (GRCh38, 1-based): chr5:128,263,453, G>T on the plus strand (C>A on the coding strand, the complement: FBN2 is on the minus strand). VCF-style: chr5-128263453-G-T. GRCh37 (hg19) VCF-style: chr5-127599145-G-T.
Other names: short protein forms P2722T.
Identifiers: ClinVar variation 3665385 (VCV003665385.2).